The following is an entry in ClinVar:

NM_173689.7(CRB2):c.3699CCT[3] (p.Leu1237_Leu1239del)

Gene: CRB2 (crumbs cell polarity complex component 2; plus strand). Cytogenetic location: 9q33.3.
Variant type: Microsatellite.
Coding change: c.3699CCT[3] on transcript NM_173689.7 (MANE Select); three copies in a row of the 3-base unit CCT starting at c.3699; the reference has six copies in a row; three copies, 9 bases deleted.
Protein change: p.Leu1237_Leu1239del.
Molecular consequence: inframe deletion. On other transcripts: non-coding transcript variant (1).
Genome position (GRCh38, 1-based): chr9:123,376,912-123,376,920, CCTCCTCCT deleted; deleting any 9 consecutive bases within chr9:123,376,903-123,376,920 gives the same sequence; the position shown is the placement nearest the transcript's 3' end. VCF-style (leftmost placement, unchanged base first): chr9-123376902-GCCTCCTCCT-G. GRCh37 (hg19) VCF-style: chr9-126139181-GCCTCCTCCT-G.
Identifiers: ClinVar variation 4536460 (VCV004536460.1).
Genomic context (GRCh38, chr9:123,376,902, plus strand): 5'-GCCTGCCCCTGCCGCTGCCATTCCCACTGCTGGAGGTGGCCGTACCTGCAGCCTGTGCCT[GCCTCCTCCT>G]CCTCCTCCTGGGCCTCCTTTCAGGGATCCTGGCAGCCCGAAAGCGCCGCCAGTCTGAGGG-3'

ClinVar aggregate classification (germline): Uncertain significance (1 of 4 stars; one submission).

Submission:

GeneDx
Classification: Uncertain significance. Last evaluated: 2025-06-06. Review status: criteria provided, single submitter. Criteria: GeneDx Variant Classification Process June 2021. Collection method: clinical testing. Allele origin: germline. Affected: yes.
Comment: In-frame deletion of 3 of amino acids in a repetitive region with no known function; Not observed at significant frequency in large population cohorts (gnomAD); Has not been previously published as pathogenic or benign to our knowledge